The following is an entry in ClinVar:

ClinVar aggregate classification (germline): Uncertain significance. Review status: criteria provided, multiple submitters, no conflicts (2 of 4 stars). 2 submissions from 2 submitters: Uncertain significance (2). Last evaluated 2025-09-26.

Conditions:
Atypical hemolytic-uremic syndrome. Identifiers: Orphanet 2134, MedGen C2931788, MONDO:0016244.

Allele frequency attached by ClinVar (database versions not stated): gnomAD exomes below 0.00001.

Submissions (2):

Genomenon, Inc
Classification: Uncertain significance for Atypical hemolytic-uremic syndrome. Last evaluated: 2025-09-26. Review status: criteria provided, single submitter. Criteria: Genomenon Sequence Variant Interpretation Standards - Updated. Collection method: curation. Allele origin: germline. Affected: yes.
Comment: CFI p.Gly574ArgfsTer14 (c.1719dup) is a frameshift variant that results in the production of a truncated protein. This variant has been observed in at least one proband affected with atypical hemolytic-uremic syndrome (PMID:24799305). It is absent or not present at a significant frequency in gnomAD. In conclusion, we classify CFI p.Gly574ArgfsTer14 (c.1719dup) as a variant of unknown significance.

Labcorp Genetics (formerly Invitae), Labcorp
Classification: Uncertain significance. Last evaluated: 2022-06-12. Review status: criteria provided, single submitter. Criteria: Invitae Variant Classification Sherloc (09022015). Collection method: clinical testing. Allele origin: germline.
Comment: In summary, the available evidence is currently insufficient to determine the role of this variant in disease. Therefore, it has been classified as a Variant of Uncertain Significance. Experimental studies and prediction algorithms are not available or were not evaluated, and the functional significance of this variant is currently unknown. This frameshift has been observed in individual(s) with CFI-related conditions (PMID: 31440263). This variant is not present in population databases (gnomAD no frequency). This sequence change results in a frameshift in the CFI gene (p.Gly574Argfs*14). While this is not anticipated to result in nonsense mediated decay, it is expected to disrupt the last 10 amino acid(s) of the CFI protein and extend the protein by 3 additional amino acid residues.

Literature cited by the submitters: PubMed 24799305 (cited by Genomenon, Inc); PubMed 31440263 (cited by Labcorp Genetics (formerly Invitae), Labcorp).

NM_000204.5(CFI):c.1719dup (p.Gly574fs)

Gene: CFI (complement factor I; minus strand). Cytogenetic location: 4q25.
Variant type: Duplication.
Coding change: c.1719dup on transcript NM_000204.5 (MANE Select); coding-DNA position 1719, one base duplicated (A; older notation c.1719dupA).
Protein change: p.Gly574fs; shifts the reading frame from glycine 574.
Molecular consequence: frameshift variant. On other transcripts: non-coding transcript variant (3), intron variant (5).
Genome position (GRCh38, 1-based): chr4:109,740,926, T duplicated on the plus strand (A on the coding strand, the reverse complement: CFI is on the minus strand). VCF-style (leftmost placement, unchanged base first): chr4-109740925-C-CT. GRCh37 (hg19) VCF-style: chr4-110662081-C-CT.
Other names: c.1743dup, p.Gly582fs (NM_001318057.2); c.1698dup, p.Gly567fs (NM_001331035.2); c.1662dup, p.Gly555fs (NM_001375283.1); c.1110dup, p.Gly371fs (NM_001375284.1); c.1513+1565dup (NM_001375282.1, NM_001375280.1); c.1534+1565dup (NM_001375281.1, NM_001375279.1); c.1558+1565dup (NM_001375278.1); short protein forms G555fs, G567fs, G371fs, G574fs, G582fs.
Identifiers: ClinVar variation 1906345 (VCV001906345.6), dbSNP rs1723706858, ClinGen allele CA1484704907.